The following is an entry in ClinVar:

ClinVar aggregate classification (germline): Benign. Review status: criteria provided, multiple submitters, no conflicts (2 of 4 stars). 3 submissions from 2 submitters: Benign (3). Last evaluated 2018-01-12.

Conditions:
Chilblain lupus 2 (CHBL2). Identifiers: MedGen C3280721, MONDO:0013739, OMIM 614415.
Aicardi-Goutieres syndrome 5. Identifiers: Orphanet 51, MedGen C2749659, MONDO:0013059, OMIM 612952.

Allele frequency attached by ClinVar (database versions not stated): gnomAD exomes 0.00195; 1000 Genomes Project 30x 0.01109; 1000 Genomes Project 0.01318; gnomAD 0.00271 and 0.00188; TOPMed 0.00306.

Submissions (3):

Illumina Laboratory Services, Illumina
Classification: Benign for Chilblain lupus 2. Last evaluated: 2018-01-12. Review status: criteria provided, single submitter. Criteria: ICSL Variant Classification Criteria 13 December 2019. Collection method: clinical testing. Allele origin: germline.
Comment: This variant was observed in the ICSL laboratory as part of a predisposition screen in an ostensibly healthy population. It had not been previously curated by ICSL or reported in the Human Gene Mutation Database (HGMD: prior to June 1st, 2018), and was therefore a candidate for classification through an automated scoring system. Utilizing variant allele frequency, disease prevalence and penetrance estimates, and inheritance mode, an automated score was calculated to assess if this variant is too frequent to cause the disease. Based on the score and internal cut-off values, a variant classified as benign is not then subjected to further curation. The score for this variant resulted in a classification of benign for this disease.

Illumina Laboratory Services, Illumina
Classification: Benign for Aicardi-Goutieres syndrome 5. Last evaluated: 2018-01-12. Review status: criteria provided, single submitter. Criteria: ICSL Variant Classification Criteria 13 December 2019. Collection method: clinical testing. Allele origin: germline.
Comment: the same text as in the submission from Illumina Laboratory Services, Illumina above.

Breakthrough Genomics
Classification: Benign. Review status: criteria provided, single submitter. Criteria: ACMG Guidelines, 2015. Collection method: not provided. Allele origin: germline. Inheritance: Autosomal recessive inheritance. Affected: yes.

NM_015474.3(SAMHD1):c.-110T>C

Gene: SAMHD1 (SAM and HD domain containing deoxynucleoside triphosphate triphosphohydrolase 1; minus strand). Cytogenetic location: 20q11.23.
Variant type: single nucleotide variant.
Coding change: c.-110T>C on transcript NM_015474.3; 110 bases upstream of the start codon, T replaced by C.
Genome position (GRCh38, 1-based): chr20:36,951,753, A>G on the plus strand (T>C on the coding strand, the complement: SAMHD1 is on the minus strand). VCF-style: chr20-36951753-A-G. GRCh37 (hg19) VCF-style: chr20-35580156-A-G.
Identifiers: ClinVar variation 338355 (VCV000338355.8), dbSNP rs28372906, ClinGen allele CA10643830.